The following is an entry in ClinVar:

ClinVar aggregate classification (germline): Benign. Review status: criteria provided, single submitter (1 of 4 stars). 2 submissions from 2 submitters: Benign (1). 1 of the submissions does not count toward it. Last evaluated 2025-01-21.

Conditions:
CRADD-related disorder. Also called: CRADD-related condition.

Allele frequency attached by ClinVar (database versions not stated): gnomAD exomes 0.00009; TOPMed 0.00014; gnomAD 0.00019; ExAC 0.00029; 1000 Genomes Project 30x 0.00156; 1000 Genomes Project 0.00160.
gnomAD v4.1: 162 of 1,611,618 alleles (0.01%); highest among the groups gnomAD compares: East Asian, 0.35%; 2 homozygotes.

Submissions (2):

Labcorp Genetics (formerly Invitae), Labcorp
Classification: Benign. Last evaluated: 2025-01-21. Review status: criteria provided, single submitter. Criteria: Invitae Variant Classification Sherloc (09022015). Collection method: clinical testing. Allele origin: germline.

PreventionGenetics, part of Exact Sciences
Classification: Likely benign for CRADD-related condition. Last evaluated: 2019-06-18. Review status: no assertion criteria provided. Collection method: clinical testing. Allele origin: germline. Not counted in ClinVar's aggregate classification.
Comment: This variant is classified as likely benign based on ACMG/AMP sequence variant interpretation guidelines (Richards et al. 2015 PMID: 25741868, with internal and published modifications).

NM_003805.5(CRADD):c.342C>T (p.Ser114=)

Gene: CRADD (CARD and death domain containing adaptor protein; plus strand). Cytogenetic location: 12q22.
Variant type: single nucleotide variant.
Coding change: c.342C>T on transcript NM_003805.5 (MANE Select); coding-DNA position 342, C replaced by T.
Protein change: p.Ser114=; no amino-acid change (serine 114 retained).
Molecular consequence: synonymous variant. On other transcripts: intron variant (1).
Genome position (GRCh38, 1-based): chr12:93,850,013, C>T. VCF-style: chr12-93850013-C-T. GRCh37 (hg19) VCF-style: chr12-94243789-C-T.
Other names: c.299-44037C>T (NM_001320100.2); c.342C>T, p.Ser114= (NM_001320099.2); c.342C>T (NM_003805.4).
Identifiers: ClinVar variation 2192215 (VCV002192215.6), dbSNP rs184285624, ClinGen allele CA6720209.